The following is an entry in ClinVar:

NM_001195263.2(PDZD7):c.1776C>G (p.Asp592Glu)

Gene: PDZD7 (PDZ domain containing 7; minus strand). Cytogenetic location: 10q24.31.
Variant type: single nucleotide variant.
Coding change: c.1776C>G on transcript NM_001195263.2 (MANE Select); coding-DNA position 1776, C replaced by G.
Protein change: p.Asp592Glu; replaces aspartic acid 592 with glutamic acid.
Molecular consequence: missense variant.
Genome position (GRCh38, 1-based): chr10:101,012,232, G>C on the plus strand (C>G on the coding strand, the complement: PDZD7 is on the minus strand). VCF-style: chr10-101012232-G-C. GRCh37 (hg19) VCF-style: chr10-102771989-G-C.
Other names: short protein forms D592E.
Identifiers: ClinVar variation 2249595 (VCV002249595.3), dbSNP rs1852421715, ClinGen allele CA378226620.
Genomic context (GRCh38, chr10:101,012,232, plus strand): 5'-GTCCTGCAGCAGTAGCAGCTTCTCCGGCCTGTCGAGGATGGCCAGCAGGGGCCTCACCAG[G>C]TCCTCTATGCCTCCCTCGTGCACATACTGCAGATAGAGGCAGCACAGGTCAGACAGCAGT-3'
Protein context (NP_001182192.1, residues 582-602): SRYVHEGGIE[Asp592Glu]LVRPLLAILD

ClinVar aggregate classification (germline): Uncertain significance. Review status: criteria provided, multiple submitters, no conflicts (2 of 4 stars). 2 submissions from 2 submitters: Uncertain significance (2). Last evaluated 2025-09-05.

Conditions:
PDZD7-related disorder. Also called: PDZD7-related condition; PDZD7-related disorders.
Inborn genetic diseases. Identifiers: MedGen C0950123, MeSH D030342.

Allele frequency attached by ClinVar (database versions not stated): gnomAD 0.00001; gnomAD exomes 0.00001; TOPMed 0.00001.
gnomAD v4.1: 17 of 1,550,152 alleles (0.0011%); highest among the groups gnomAD compares: Non-Finnish European, 0.0015%; no homozygotes.

Submissions (2):

PreventionGenetics, part of Exact Sciences
Classification: Uncertain significance for PDZD7-related condition. Last evaluated: 2025-09-05. Review status: criteria provided, single submitter. Criteria: ACMG Guidelines, 2015. Collection method: clinical testing. Allele origin: germline.
Comment: The PDZD7 c.1776C>G variant is predicted to result in the amino acid substitution p.Asp592Glu. To our knowledge, this variant has not been reported in the literature or in a large population database (gnomAD), indicating this variant is rare. At this time, the clinical significance of this variant is uncertain due to the absence of conclusive functional and genetic evidence.

Ambry Genetics
Classification: Uncertain significance for Inborn genetic diseases. Last evaluated: 2021-09-15. Review status: criteria provided, single submitter. Criteria: Ambry Variant Classification Scheme 2023. Collection method: clinical testing. Allele origin: germline.